The following is an entry in ClinVar:

NM_024409.4(NPPC):c.362T>C (p.Met121Thr)

Gene: NPPC (natriuretic peptide C; minus strand). Cytogenetic location: 2q37.1.
Variant type: single nucleotide variant.
Coding change: c.362T>C on transcript NM_024409.4 (MANE Select); coding-DNA position 362, T replaced by C.
Protein change: p.Met121Thr; replaces methionine 121 with threonine.
Molecular consequence: missense variant.
Genome position (GRCh38, 1-based): chr2:231,925,444, A>G on the plus strand (T>C on the coding strand, the complement: NPPC is on the minus strand). VCF-style: chr2-231925444-A-G. GRCh37 (hg19) VCF-style: chr2-232790154-A-G.
Other names: short protein forms M121T.
Identifiers: ClinVar variation 1438424 (VCV001438424.6), dbSNP rs1691989791, ClinGen allele CA351149839.
Genomic context (GRCh38, chr2:231,925,444, plus strand): 5'-CGTCGGGTGGGCCGTACTCACCGCCGCCAGGGGGCGCCGCACTAACATCCCAGGCCGCTC[A>G]TGGAGCCGATTCGGTCCAGCTTGAGGCCGAAGCAGCCCTTGGACAAGCCCTTCTTGTTGG-3'
Protein context (NP_077720.1, residues 111-126): FGLKLDRIGS[Met121Thr]SGLGC

ClinVar aggregate classification (germline): Uncertain significance (1 of 4 stars; one submission).

Allele frequency attached by ClinVar (database versions not stated): TOPMed 0.00001.

Submission:

Labcorp Genetics (formerly Invitae), Labcorp
Classification: Uncertain significance. Last evaluated: 2021-03-25. Review status: criteria provided, single submitter. Criteria: Invitae Variant Classification Sherloc (09022015). Collection method: clinical testing. Allele origin: germline.
Comment: In summary, the available evidence is currently insufficient to determine the role of this variant in disease. Therefore, it has been classified as a Variant of Uncertain Significance. Algorithms developed to predict the effect of missense changes on protein structure and function output the following: SIFT: "Not Available"; PolyPhen-2: "Benign"; Align-GVGD: "Not Available". The threonine amino acid residue is found in multiple mammalian species, suggesting that this missense change does not adversely affect protein function. These predictions have not been confirmed by published functional studies and their clinical significance is uncertain. This variant has not been reported in the literature in individuals with NPPC-related conditions. This variant is not present in population databases (ExAC no frequency). This sequence change replaces methionine with threonine at codon 121 of the NPPC protein (p.Met121Thr). The methionine residue is highly conserved and there is a moderate physicochemical difference between methionine and threonine.